The following is an entry in ClinVar:

ClinVar aggregate classification (germline): Uncertain significance. Review status: criteria provided, multiple submitters, no conflicts (2 of 4 stars). 2 submissions from 2 submitters: Uncertain significance (2). Last evaluated 2024-08-11.

Conditions:
Aortic aneurysm, familial thoracic 7 (AAT7). Also called: AORTIC DISSECTION, FAMILIAL, WITH OR WITHOUT AORTIC ANEURYSM. Identifiers: MedGen C3151077, MONDO:0013418, OMIM 613780.
Familial thoracic aortic aneurysm and aortic dissection (TAAD). Also called: Thoracic aortic aneurysms and dissections. Identifiers: Orphanet 91387, MedGen C4707243, MONDO:0019625.

gnomAD v4.1: 1 of 1,614,026 alleles (0.000062%); highest among the groups gnomAD compares: South Asian, 0.0011%; no homozygotes.

Submissions (2):

Labcorp Genetics (formerly Invitae), Labcorp
Classification: Uncertain significance for Aortic aneurysm, familial thoracic 7. Last evaluated: 2024-08-11. Review status: criteria provided, single submitter. Criteria: Invitae Variant Classification Sherloc (09022015). Collection method: clinical testing. Allele origin: germline.
Comment: This sequence change replaces aspartic acid, which is acidic and polar, with glycine, which is neutral and non-polar, at codon 254 of the MYLK protein (p.Asp254Gly). This variant is not present in population databases (gnomAD no frequency). This variant has not been reported in the literature in individuals affected with MYLK-related conditions. Advanced modeling of protein sequence and biophysical properties (such as structural, functional, and spatial information, amino acid conservation, physicochemical variation, residue mobility, and thermodynamic stability) performed at Invitae indicates that this missense variant is not expected to disrupt MYLK protein function with a negative predictive value of 95%. Algorithms developed to predict the effect of sequence changes on RNA splicing suggest that this variant may disrupt the consensus splice site. In summary, the available evidence is currently insufficient to determine the role of this variant in disease. Therefore, it has been classified as a Variant of Uncertain Significance.

Ambry Genetics
Classification: Uncertain significance for Familial thoracic aortic aneurysm and aortic dissection. Last evaluated: 2024-04-12. Review status: criteria provided, single submitter. Criteria: Ambry Variant Classification Scheme 2023. Collection method: clinical testing. Allele origin: germline.
Comment: The p.D254G variant (also known as c.761A>G), located in coding exon 6 of the MYLK gene, results from an A to G substitution at nucleotide position 761. The aspartic acid at codon 254 is replaced by glycine, an amino acid with similar properties. This amino acid position is conserved. In addition, this alteration is predicted to be tolerated by in silico analysis. Based on the available evidence, the clinical significance of this variant remains unclear.

NM_053025.4(MYLK):c.761A>G (p.Asp254Gly)

Gene: MYLK (myosin light chain kinase; minus strand). Cytogenetic location: 3q21.1.
Variant type: single nucleotide variant.
Coding change: c.761A>G on transcript NM_053025.4 (MANE Select); coding-DNA position 761, A replaced by G.
Protein change: p.Asp254Gly; replaces aspartic acid 254 with glycine.
Molecular consequence: missense variant.
Genome position (GRCh38, 1-based): chr3:123,735,410, T>C on the plus strand (A>G on the coding strand, the complement: MYLK is on the minus strand). VCF-style: chr3-123735410-T-C. GRCh37 (hg19) VCF-style: chr3-123454257-T-C.
Other names: c.761A>G, p.Asp254Gly (NM_053026.4, NM_053027.4, NM_053028.4); c.233A>G, p.Asp78Gly (NM_001321309.2); short protein forms D254G, D78G.
Identifiers: ClinVar variation 3297599 (VCV003297599.3).
Genomic context (GRCh38, chr3:123,735,410, plus strand): 5'-AGGGCATTTCAAGAGGGAAAACGTAAAAGTCACAAAGCCTAGACATACCTATTGGCACTG[T>C]CCAAACCTGGAAAAAGGGGGAAGGGTGGAAAGACTGTTAGTAGAATGCTGTATACACCAA-3'
Protein context (NP_444253.3, residues 244-264): MSAELSIQGL[Asp254Gly]SANRSFVRET